The following is an entry in ClinVar:

NM_000059.4(BRCA2):c.1526G>A (p.Arg509Lys)

Gene: BRCA2 (BRCA2 DNA repair associated; plus strand). Cytogenetic location: 13q13.1.
Variant type: single nucleotide variant.
Coding change: c.1526G>A on transcript NM_000059.4 (MANE Select); coding-DNA position 1526, G replaced by A.
Protein change: p.Arg509Lys; replaces arginine 509 with lysine.
Molecular consequence: missense variant. On other transcripts: non-coding transcript variant (1), intron variant (1).
Genome position (GRCh38, 1-based): chr13:32,333,004, G>A. VCF-style: chr13-32333004-G-A. GRCh37 (hg19) VCF-style: chr13-32907141-G-A.
Other names: c.1526G>A, p.Arg509Lys (NM_001406719.1, NM_001406720.1, NM_001406721.1 and 1 more transcripts); c.424+1974G>A (NM_001406722.1); short protein forms R509K.
Identifiers: ClinVar variation 4689527 (VCV004689527.1).

ClinVar aggregate classification (germline): Uncertain significance (1 of 4 stars; one submission).

Submission:

Women's Health and Genetics/Laboratory Corporation of America, LabCorp
Classification: Uncertain significance. Last evaluated: 2026-01-08. Review status: criteria provided, single submitter. Criteria: LabCorp Variant Classification Summary - May 2015. Collection method: clinical testing. Allele origin: germline.
Comment: Variant summary: BRCA2 c.1526G>A (p.Arg509Lys) results in a conservative amino acid change in the encoded protein sequence. Algorithms developed to predict the effect of missense changes on protein structure and function all suggest that this variant is likely to be tolerated. The variant was absent in 231110 control chromosomes. The available data on variant occurrences in the general population are insufficient to allow any conclusion about variant significance. c.1526G>A has been observed in at least one individual affected with breast cancer (e.g. Pop_2018). These report(s) do not provide unequivocal conclusions about association of the variant with Hereditary Breast And Ovarian Cancer Syndrome. To our knowledge, no experimental evidence demonstrating an impact on protein function has been reported. The following publication has been ascertained in the context of this evaluation (PMID: 29202330). No submitters have cited clinical-significance assessments for this variant to ClinVar. Based on the evidence outlined above, the variant was classified as uncertain significance.

Literature cited by the submitters: PubMed 29202330.